The following is an entry in ClinVar:

ClinVar aggregate classification (germline): Likely pathogenic (1 of 4 stars; one submission).

Conditions:
Spermatogenic failure 30. Identifiers: MedGen C4748224, MONDO:0020851, OMIM 618110.

Allele frequency attached by ClinVar (database versions not stated): ExAC 0.00002; gnomAD exomes 0.00002; gnomAD 0.00009; TOPMed 0.00011; ESP Exome Variant Server 0.00016.

Submission:

MVZ Medizinische Genetik Mainz
Classification: Likely pathogenic for Spermatogenic failure 30. Last evaluated: 2023-09-25. Review status: criteria provided, single submitter. Criteria: UK Practice Guidelines For Variant Classification V4 01 2020. Collection method: clinical testing. Allele origin: germline. Inheritance: Autosomal recessive inheritance. Affected: yes. Observed: 1 variant allele.
Comment: ACMG Criteria: PVS1,PM2_SUP

NM_153046.3(TDRD9):c.2031_2032del (p.Glu679fs)

Gene: TDRD9 (tudor domain containing 9; plus strand). Cytogenetic location: 14q32.33.
Variant type: Deletion.
Coding change: c.2031_2032del on transcript NM_153046.3 (MANE Select); coding-DNA positions 2031 to 2032, 2 bases deleted (AG; older notation c.2031_2032delAG).
Protein change: p.Glu679fs; shifts the reading frame from glutamic acid 679.
Molecular consequence: frameshift variant.
Genome position (GRCh38, 1-based): chr14:104,007,183-104,007,184, AG deleted. VCF-style (leftmost placement, unchanged base first): chr14-104007182-CAG-C. GRCh37 (hg19) VCF-style: chr14-104473519-CAG-C.
Other names: short protein forms E679fs.
Identifiers: ClinVar variation 3235186 (VCV003235186.1), dbSNP rs777065614.